The following is an entry in ClinVar:

ClinVar aggregate classification (germline): Uncertain significance. Review status: criteria provided, multiple submitters, no conflicts (2 of 4 stars). 2 submissions from 2 submitters: Uncertain significance (2). Last evaluated 2025-01-31.

Submissions (2):

Ambry Genetics
Classification: Uncertain significance. Last evaluated: 2025-01-31. Review status: criteria provided, single submitter. Criteria: Ambry Variant Classification Scheme 2023. Collection method: clinical testing. Allele origin: germline.

Labcorp Genetics (formerly Invitae), Labcorp
Classification: Uncertain significance. Last evaluated: 2024-09-11. Review status: criteria provided, single submitter. Criteria: Invitae Variant Classification Sherloc (09022015). Collection method: clinical testing. Allele origin: germline.
Comment: This sequence change replaces serine, which is neutral and polar, with phenylalanine, which is neutral and non-polar, at codon 156 of the MARS2 protein (p.Ser156Phe). The frequency data for this variant in the population databases is considered unreliable, as metrics indicate poor data quality at this position in the gnomAD database. This variant has not been reported in the literature in individuals affected with MARS2-related conditions. Invitae Evidence Modeling of protein sequence and biophysical properties (such as structural, functional, and spatial information, amino acid conservation, physicochemical variation, residue mobility, and thermodynamic stability) indicates that this missense variant is not expected to disrupt MARS2 protein function with a negative predictive value of 80%. In summary, the available evidence is currently insufficient to determine the role of this variant in disease. Therefore, it has been classified as a Variant of Uncertain Significance.

NM_138395.4(MARS2):c.467C>T (p.Ser156Phe)

Gene: MARS2 (methionyl-tRNA synthetase 2, mitochondrial; plus strand). Cytogenetic location: 2q33.1.
Variant type: single nucleotide variant.
Coding change: c.467C>T on transcript NM_138395.4 (MANE Select); coding-DNA position 467, C replaced by T.
Protein change: p.Ser156Phe; replaces serine 156 with phenylalanine.
Molecular consequence: missense variant.
Genome position (GRCh38, 1-based): chr2:197,705,872, C>T. VCF-style: chr2-197705872-C-T. GRCh37 (hg19) VCF-style: chr2-198570596-C-T.
Other names: c.467C>T (NM_138395.3); short protein forms S156F.
Identifiers: ClinVar variation 3709963 (VCV003709963.3).